The following is an entry in ClinVar:

NM_147127.5(EVC2):c.3716G>A (p.Gly1239Glu)

Gene: EVC2 (EvC ciliary complex subunit 2; minus strand). Cytogenetic location: 4p16.2.
Variant type: single nucleotide variant.
Coding change: c.3716G>A on transcript NM_147127.5 (MANE Select); coding-DNA position 3716, G replaced by A.
Protein change: p.Gly1239Glu; replaces glycine 1239 with glutamic acid.
Molecular consequence: missense variant.
Genome position (GRCh38, 1-based): chr4:5,563,059, C>T on the plus strand (G>A on the coding strand, the complement: EVC2 is on the minus strand). VCF-style: chr4-5563059-C-T. GRCh37 (hg19) VCF-style: chr4-5564786-C-T.
Other names: c.3476G>A, p.Gly1159Glu (NM_001166136.2); short protein forms G1159E, G1239E.
Identifiers: ClinVar variation 3750733 (VCV003750733.2).

ClinVar aggregate classification (germline): Uncertain significance (1 of 4 stars; one submission).

Conditions:
Ellis-van Creveld syndrome (EVC). Also called: EVC-Related Ellis-van Creveld Syndrome; EVC2-Related Ellis-van Creveld Syndrome; MESOECTODERMAL DYSPLASIA; Chondroectodermal dysplasia. Identifiers: Orphanet 289, MedGen C0013903, MONDO:0009162, OMIM 225500.
Curry-Hall syndrome (WAD). Also called: WEYERS ACRODENTAL DYSOSTOSIS. Identifiers: Orphanet 952, MedGen C0457013, MONDO:0008673, OMIM 193530.

gnomAD v4.1: 1 of 1,614,134 alleles (0.000062%); highest among the groups gnomAD compares: Non-Finnish European, 0.000085%; no homozygotes.

Submission:

Labcorp Genetics (formerly Invitae), Labcorp
Classification: Uncertain significance for Curry-Hall syndrome; Ellis-van Creveld syndrome. Last evaluated: 2024-09-23. Review status: criteria provided, single submitter. Criteria: Invitae Variant Classification Sherloc (09022015). Collection method: clinical testing. Allele origin: germline.
Comment: This sequence change replaces glycine, which is neutral and non-polar, with glutamic acid, which is acidic and polar, at codon 1239 of the EVC2 protein (p.Gly1239Glu). This variant is not present in population databases (gnomAD no frequency). This variant has not been reported in the literature in individuals affected with EVC2-related conditions. An algorithm developed to predict the effect of missense changes on protein structure and function outputs the following: PolyPhen-2: "Benign". The glutamic acid amino acid residue is found in multiple mammalian species, which suggests that this missense change does not adversely affect protein function. In summary, the available evidence is currently insufficient to determine the role of this variant in disease. Therefore, it has been classified as a Variant of Uncertain Significance.